The following is an entry in ClinVar:

ClinVar aggregate classification (germline): Uncertain significance (1 of 4 stars; one submission).

Submission:

Labcorp Genetics (formerly Invitae), Labcorp
Classification: Uncertain significance. Last evaluated: 2025-10-03. Review status: criteria provided, single submitter. Criteria: Invitae Variant Classification Sherloc (09022015). Collection method: clinical testing. Allele origin: germline.
Comment: This sequence change replaces arginine, which is basic and polar, with leucine, which is neutral and non-polar, at codon 502 of the FSCN2 protein (p.Arg502Leu). The frequency data for this variant in the population databases is considered unreliable, as metrics indicate poor data quality at this position in the gnomAD database. This variant has not been reported in the literature in individuals affected with FSCN2-related conditions. ClinVar contains an entry for this variant (Variation ID: 1367805). An algorithm developed to predict the effect of missense changes on protein structure and function (PolyPhen-2) suggests that this variant is likely to be disruptive. In summary, the available evidence is currently insufficient to determine the role of this variant in disease. Therefore, it has been classified as a Variant of Uncertain Significance.

NM_012418.4(FSCN2):c.1433G>T (p.Arg478Leu)

Gene: FSCN2 (fascin actin-bundling protein 2, retinal; plus strand). Cytogenetic location: 17q25.3.
Variant type: single nucleotide variant.
Coding change: c.1433G>T on transcript NM_012418.4 (MANE Select); coding-DNA position 1433, G replaced by T.
Protein change: p.Arg478Leu; replaces arginine 478 with leucine.
Molecular consequence: missense variant.
Genome position (GRCh38, 1-based): chr17:81,537,034, G>T. VCF-style: chr17-81537034-G-T. GRCh37 (hg19) VCF-style: chr17-79504060-G-T.
Other names: c.1505G>T, p.Arg502Leu (NM_001077182.3); short protein forms R478L, R502L.
Identifiers: ClinVar variation 1367805 (VCV001367805.8), dbSNP rs1490395407, ClinGen allele CA401479029.